The following is an entry in ClinVar:

NM_182961.4(SYNE1):c.13849A>C (p.Asn4617His)

Gene: SYNE1 (spectrin repeat containing nuclear envelope protein 1; minus strand). Cytogenetic location: 6q25.2.
Variant type: single nucleotide variant.
Coding change: c.13849A>C on transcript NM_182961.4 (MANE Select); coding-DNA position 13849, A replaced by C.
Protein change: p.Asn4617His; replaces asparagine 4617 with histidine.
Molecular consequence: missense variant.
Genome position (GRCh38, 1-based): chr6:152,330,836, T>G on the plus strand (A>C on the coding strand, the complement: SYNE1 is on the minus strand). VCF-style: chr6-152330836-T-G. GRCh37 (hg19) VCF-style: chr6-152651971-T-G.
Other names: c.13636A>C, p.Asn4546His (NM_033071.5); short protein forms N4617H, N4546H.
Identifiers: ClinVar variation 285328 (VCV000285328.69), dbSNP rs147667464, ClinGen allele CA4056112.

ClinVar aggregate classification (germline): Conflicting classifications of pathogenicity. Review status: criteria provided, conflicting classifications (1 of 4 stars). 10 submissions from 9 submitters: Uncertain significance (9); Likely benign (1). Last evaluated 2025-10-01.

Conditions:
SYNE1-related disorder. Also called: SYNE1-related disease; SYNE1-related condition; SYNE1-related disorders.
Emery-Dreifuss muscular dystrophy 4, autosomal dominant (EDMD4). Also called: EMERY-DREIFUSS MUSCULAR DYSTROPHY 4 WITH VARIABLE FEATURES. Identifiers: Orphanet 261, MedGen C2751807, MONDO:0013071, OMIM 612998.
Autosomal recessive ataxia, Beauce type. Also called: SYNE1 Deficiency; SYNE1-Related Autosomal Recessive Cerebellar Ataxia; ATAXIA, RECESSIVE, OF BEAUCE; Spinocerebellar ataxia, autosomal recessive 8. Identifiers: Orphanet 88644, MedGen C1853116, MONDO:0012549, OMIM 610743.

Allele frequency attached by ClinVar (database versions not stated): gnomAD exomes 0.00011; ExAC 0.00012; gnomAD 0.00012 and 0.00015; TOPMed 0.00022.
gnomAD v4.1: 188 of 1,614,042 alleles (0.012%); highest among the groups gnomAD compares: Middle Eastern, 0.53%; no homozygotes.

Submissions (10):

Labcorp Genetics (formerly Invitae), Labcorp
Classification: Uncertain significance for Emery-Dreifuss muscular dystrophy 4, autosomal dominant; Autosomal recessive ataxia, Beauce type. Last evaluated: 2025-10-01. Review status: criteria provided, single submitter. Criteria: Invitae Variant Classification Sherloc (09022015). Collection method: clinical testing. Allele origin: germline.
Comment: This sequence change replaces asparagine, which is neutral and polar, with histidine, which is basic and polar, at codon 4546 of the SYNE1 protein (p.Asn4546His). This variant is present in population databases (rs147667464, gnomAD 0.02%). This variant has not been reported in the literature in individuals affected with SYNE1-related conditions. ClinVar contains an entry for this variant (Variation ID: 285328). An algorithm developed to predict the effect of missense changes on protein structure and function (PolyPhen-2) suggests that this variant is likely to be disruptive. In summary, the available evidence is currently insufficient to determine the role of this variant in disease. Therefore, it has been classified as a Variant of Uncertain Significance.

PreventionGenetics, part of Exact Sciences
Classification: Uncertain significance for SYNE1-related condition. Last evaluated: 2025-02-04. Review status: criteria provided, single submitter. Criteria: ACMG Guidelines, 2015. Collection method: clinical testing. Allele origin: germline.
Comment: The SYNE1 c.13636A>C variant is predicted to result in the amino acid substitution p.Asn4546His. To our knowledge, this variant has not been reported in the literature. This variant is reported in 0.017% of alleles in individuals of European (Non-Finnish) descent in gnomAD. At this time, the clinical significance of this variant is uncertain due to the absence of conclusive functional and genetic evidence.

Blueprint Genetics
Classification: Uncertain significance. Last evaluated: 2024-09-25. Review status: criteria provided, single submitter. Criteria: ACMG Guidelines, 2015. Collection method: clinical testing. Allele origin: germline.

Revvity Omics, Revvity
Classification: Uncertain significance. Last evaluated: 2024-05-14. Review status: criteria provided, single submitter. Criteria: ACMG Guidelines, 2015. Collection method: clinical testing. Allele origin: germline.

CeGaT Center for Human Genetics Tuebingen
Classification: Uncertain significance. Last evaluated: 2024-02-01. Review status: criteria provided, single submitter. Criteria: CeGaT Center For Human Genetics Tuebingen Variant Classification Criteria Version 2. Collection method: clinical testing. Allele origin: germline. Affected: yes. Observed: 5 variant alleles.
Comment: SYNE1: PM2, BP4

Athena Diagnostics
Classification: Uncertain significance. Last evaluated: 2022-08-31. Review status: criteria provided, single submitter. Criteria: Athena Diagnostics Criteria. Collection method: clinical testing. Allele origin: unknown.

GeneDx
Classification: Likely benign. Last evaluated: 2020-11-05. Review status: criteria provided, single submitter. Criteria: GeneDx Variant Classification Process June 2021. Collection method: clinical testing. Allele origin: germline. Affected: yes.

Eurofins Ntd Llc (ga)
Classification: Uncertain significance. Last evaluated: 2018-09-14. Review status: criteria provided, single submitter. Criteria: EGL ClinVar v180209 classification definitions. Collection method: clinical testing. Allele origin: germline. Observed: 14 variant alleles, 13 heterozygotes.

Illumina Laboratory Services, Illumina
Classification: Uncertain significance for Autosomal recessive ataxia, Beauce type. Last evaluated: 2018-01-15. Review status: criteria provided, single submitter. Criteria: ICSL Variant Classification Criteria 13 December 2019. Collection method: clinical testing. Allele origin: germline.

Illumina Laboratory Services, Illumina
Classification: Uncertain significance for Emery-Dreifuss muscular dystrophy 4, autosomal dominant. Last evaluated: 2018-01-15. Review status: criteria provided, single submitter. Criteria: ICSL Variant Classification Criteria 13 December 2019. Collection method: clinical testing. Allele origin: germline.